The following is an entry in ClinVar:

ClinVar aggregate classification (germline): Uncertain significance (1 of 4 stars; one submission).

Conditions:
Immunodeficiency, common variable, 2 (CVID2). Also called: HYPOGAMMAGLOBULINEMIA DUE TO TACI DEFICIENCY; ANTIBODY DEFICIENCY DUE TO TACI DEFECT. Identifiers: Orphanet 1572, MedGen C3150354, MONDO:0009413, OMIM 240500.

Allele frequency attached by ClinVar (database versions not stated): gnomAD 0.00001; gnomAD exomes 0.00001 and 0.00002; TOPMed 0.00001; ExAC 0.00003.
gnomAD v4.1: 6 of 1,613,876 alleles (0.00037%); highest among the groups gnomAD compares: Admixed American, 0.01%; 1 homozygote.

Submission:

Labcorp Genetics (formerly Invitae), Labcorp
Classification: Uncertain significance for Immunodeficiency, common variable, 2. Last evaluated: 2021-05-14. Review status: criteria provided, single submitter. Criteria: Invitae Variant Classification Sherloc (09022015). Collection method: clinical testing. Allele origin: germline.
Comment: In summary, the available evidence is currently insufficient to determine the role of this variant in disease. Therefore, it has been classified as a Variant of Uncertain Significance. Algorithms developed to predict the effect of missense changes on protein structure and function output the following: SIFT: "Deleterious"; PolyPhen-2: "Benign"; Align-GVGD: "Class C0". The phenylalanine amino acid residue is found in multiple mammalian species, suggesting that this missense change does not adversely affect protein function. These predictions have not been confirmed by published functional studies and their clinical significance is uncertain. This variant has not been reported in the literature in individuals with TNFRSF13B-related conditions. This variant is present in population databases (rs771332658, ExAC 0.03%). This sequence change replaces cysteine with phenylalanine at codon 195 of the TNFRSF13B protein (p.Cys195Phe). The cysteine residue is moderately conserved and there is a large physicochemical difference between cysteine and phenylalanine.

NM_012452.3(TNFRSF13B):c.584G>T (p.Cys195Phe)

Gene: TNFRSF13B (TNF receptor superfamily member 13B; minus strand). Cytogenetic location: 17p11.2.
Variant type: single nucleotide variant.
Coding change: c.584G>T on transcript NM_012452.3 (MANE Select); coding-DNA position 584, G replaced by T.
Protein change: p.Cys195Phe; replaces cysteine 195 with phenylalanine.
Molecular consequence: missense variant.
Genome position (GRCh38, 1-based): chr17:16,940,373, C>A on the plus strand (G>T on the coding strand, the complement: TNFRSF13B is on the minus strand). VCF-style: chr17-16940373-C-A. GRCh37 (hg19) VCF-style: chr17-16843687-C-A.
Other names: short protein forms C195F.
Identifiers: ClinVar variation 1438595 (VCV001438595.8), dbSNP rs771332658, ClinGen allele CA8413932.